The following is an entry in ClinVar:

NM_000548.5(TSC2):c.3956A>G (p.Asp1319Gly)

Gene: TSC2 (TSC complex subunit 2; plus strand). Cytogenetic location: 16p13.3.
Variant type: single nucleotide variant.
Coding change: c.3956A>G on transcript NM_000548.5 (MANE Select); coding-DNA position 3956, A replaced by G.
Protein change: p.Asp1319Gly; replaces aspartic acid 1319 with glycine.
Molecular consequence: missense variant.
Genome position (GRCh38, 1-based): chr16:2,083,767, A>G. VCF-style: chr16-2083767-A-G. GRCh37 (hg19) VCF-style: chr16-2133768-A-G.
Other names: c.3755A>G, p.Asp1252Gly (NM_001077183.3); c.3887A>G, p.Asp1296Gly (NM_001114382.3); c.3647A>G, p.Asp1216Gly (NM_001318827.2); c.3611A>G, p.Asp1204Gly (NM_001318829.2); c.3224A>G, p.Asp1075Gly (NM_001318831.2); c.3788A>G, p.Asp1263Gly (NM_001318832.2); c.3758A>G, p.Asp1253Gly (NM_001363528.2); c.3824A>G, p.Asp1275Gly (NM_001370404.1); and 1 more; short protein forms D1075G, D1204G, D1216G, D1252G, D1253G, D1263G, D1275G, D1276G.
Identifiers: ClinVar variation 1026328 (VCV001026328.8), dbSNP rs45517322, ClinGen allele CA394297431.

ClinVar aggregate classification (germline): Uncertain significance (1 of 4 stars; one submission).

Conditions:
Tuberous sclerosis 2 (TSC2). Identifiers: Orphanet 805, MedGen C1860707, MONDO:0013199, OMIM 613254.

Allele frequency attached by ClinVar (database versions not stated): TOPMed below 0.00001.

Submission:

Labcorp Genetics (formerly Invitae), Labcorp
Classification: Uncertain significance for Tuberous sclerosis 2. Last evaluated: 2018-02-14. Review status: criteria provided, single submitter. Criteria: Invitae Variant Classification Sherloc (09022015). Collection method: clinical testing. Allele origin: germline.
Comment: This variant is not present in population databases (ExAC no frequency). This variant has not been reported in the literature in individuals with TSC2-related disease. Algorithms developed to predict the effect of missense changes on protein structure and function do not agree on the potential impact of this missense change (SIFT: "Deleterious"; PolyPhen-2: "Possibly Damaging"; Align-GVGD: "Class C0"). In summary, the available evidence is currently insufficient to determine the role of this variant in disease. Therefore, it has been classified as a Variant of Uncertain Significance. This sequence change replaces aspartic acid with glycine at codon 1319 of the TSC2 protein (p.Asp1319Gly). The aspartic acid residue is highly conserved and there is a moderate physicochemical difference between aspartic acid and glycine.